The following is an entry in ClinVar:

ClinVar aggregate classification (germline): Pathogenic (1 of 4 stars; one submission).

Conditions:
Acrocallosal syndrome (ACLS). Also called: HALLUX DUPLICATION, POSTAXIAL POLYDACTYLY, AND ABSENCE OF CORPUS CALLOSUM; Schinzel syndrome 1; Absence of corpus callosum with unusual facial appearance, mental deficiency, duplication of the halluces and polydactyly. Identifiers: Orphanet 36, MedGen C0796147, MONDO:0008708, OMIM 200990.

Submission:

Labcorp Genetics (formerly Invitae), Labcorp
Classification: Pathogenic for Acrocallosal syndrome. Last evaluated: 2022-04-11. Review status: criteria provided, single submitter. Criteria: Invitae Variant Classification Sherloc (09022015). Collection method: clinical testing. Allele origin: germline.
Comment: For these reasons, this variant has been classified as Pathogenic. This sequence change creates a premature translational stop signal (p.Asp1105*) in the KIF7 gene. It is expected to result in an absent or disrupted protein product. Loss-of-function variants in KIF7 are known to be pathogenic (PMID: 19666503, 21552264, 21633164, 26648833). This variant is not present in population databases (gnomAD no frequency). This variant has not been reported in the literature in individuals affected with KIF7-related conditions.

Literature cited by the submitters: PubMed 19666503; PubMed 21552264; PubMed 21633164; PubMed 26648833.

NM_198525.3(KIF7):c.3312dup (p.Asp1105Ter)

Gene: KIF7 (kinesin family member 7; minus strand). Cytogenetic location: 15q26.1.
Variant type: Duplication.
Coding change: c.3312dup on transcript NM_198525.3 (MANE Select); coding-DNA position 3312, one base duplicated (T; older notation c.3312dupT).
Protein change: p.Asp1105Ter; replaces aspartic acid 1105 with a stop codon.
Molecular consequence: nonsense.
Genome position (GRCh38, 1-based): chr15:89,630,293, A duplicated on the plus strand (T on the coding strand, the reverse complement: KIF7 is on the minus strand); the first of 4 consecutive A bases (chr15:89,630,293-89,630,296); duplicating any one gives the same sequence. VCF-style (leftmost placement, unchanged base first): chr15-89630292-C-CA. GRCh37 (hg19) VCF-style: chr15-90173523-C-CA.
Other names: short protein forms D1105*.
Identifiers: ClinVar variation 2124781 (VCV002124781.4), dbSNP rs2505419657, ClinGen allele CA2580090195.